The following is an entry in ClinVar:

ClinVar aggregate classification (germline): Benign/Likely benign. Review status: criteria provided, multiple submitters, no conflicts (2 of 4 stars). 3 submissions from 3 submitters: Benign (2); Likely benign (1). Last evaluated 2026-02-04.

Conditions:
Joubert syndrome. Also called: CEREBELLOPARENCHYMAL DISORDER IV; JOUBERT-BOLTSHAUSER SYNDROME; Familial aplasia of the vermis. Identifiers: Orphanet 475, MedGen C5979921, MONDO:0018772.

Allele frequency attached by ClinVar (database versions not stated): gnomAD exomes 0.00123; ExAC 0.00143; gnomAD 0.00440 and 0.00468; 1000 Genomes Project 0.00479; TOPMed 0.00498; 1000 Genomes Project 30x 0.00547; ESP Exome Variant Server 0.00554.
gnomAD v4.1: 1,350 of 1,607,452 alleles (0.084%); highest among the groups gnomAD compares: African/African-American, 1.6%; 10 homozygotes.

Submissions (3):

Labcorp Genetics (formerly Invitae), Labcorp
Classification: Benign for Joubert syndrome. Last evaluated: 2026-02-04. Review status: criteria provided, single submitter. Criteria: Invitae Variant Classification Sherloc (09022015). Collection method: clinical testing. Allele origin: germline.

GeneDx
Classification: Benign. Last evaluated: 2017-02-21. Review status: criteria provided, single submitter. Criteria: GeneDx Variant Classification (06012015). Collection method: clinical testing. Allele origin: germline. Affected: yes.
Comment: This variant is considered likely benign or benign based on one or more of the following criteria: it is a conservative change, it occurs at a poorly conserved position in the protein, it is predicted to be benign by multiple in silico algorithms, and/or has population frequency not consistent with disease.

PreventionGenetics, part of Exact Sciences
Classification: Likely benign. Review status: criteria provided, single submitter. Criteria: ACMG Guidelines, 2015. Collection method: clinical testing. Allele origin: germline.

NM_001134831.2(AHI1):c.932-10A>G

Gene: AHI1 (Abelson helper integration site 1; minus strand). Cytogenetic location: 6q23.3.
Variant type: single nucleotide variant.
Coding change: c.932-10A>G on transcript NM_001134831.2 (MANE Select); 10 bases into the intron before coding-DNA position 932, A replaced by G.
Molecular consequence: intron variant.
Genome position (GRCh38, 1-based): chr6:135,457,723, T>C on the plus strand (A>G on the coding strand, the complement: AHI1 is on the minus strand). VCF-style: chr6-135457723-T-C. GRCh37 (hg19) VCF-style: chr6-135778861-T-C.
Other names: c.932-10A>G (NM_001134830.2, NM_001350503.2, NM_017651.5 and 2 more transcripts).
Identifiers: ClinVar variation 260862 (VCV000260862.13), dbSNP rs114319588, ClinGen allele CA4012707.